The following is an entry in ClinVar:

NM_012471.3(TRPC5):c.2081G>A (p.Arg694His)

Gene: TRPC5 (transient receptor potential cation channel subfamily C member 5; minus strand). Cytogenetic location: Xq23.
Variant type: single nucleotide variant.
Coding change: c.2081G>A on transcript NM_012471.3 (MANE Select); coding-DNA position 2081, G replaced by A.
Protein change: p.Arg694His; replaces arginine 694 with histidine.
Molecular consequence: missense variant.
Genome position (GRCh38, 1-based): chrX:111,781,954, C>T on the plus strand (G>A on the coding strand, the complement: TRPC5 is on the minus strand). VCF-style: chrX-111781954-C-T. GRCh37 (hg19) VCF-style: chrX-111025182-C-T.
Other names: short protein forms R694H.
Identifiers: ClinVar variation 2291546 (VCV002291546.4), dbSNP rs144130119, ClinGen allele CA10494220.

ClinVar aggregate classification (germline): Likely benign. Review status: criteria provided, single submitter (1 of 4 stars). 2 submissions from 2 submitters: Likely benign (1). 1 of the submissions does not count toward it. Last evaluated 2022-05-26.

Conditions:
TRPC5-related disorder. Also called: TRPC5-related condition.

Allele frequency attached by ClinVar (database versions not stated): gnomAD exomes 0.00001; TOPMed 0.00001; ExAC 0.00004; ESP Exome Variant Server 0.00009.
gnomAD v4.1: 13 of 1,190,188 alleles (0.0011%); highest among the groups gnomAD compares: South Asian, 0.0019%; no homozygotes.

Submissions (2):

Ambry Genetics
Classification: Likely benign. Last evaluated: 2022-05-26. Review status: criteria provided, single submitter. Criteria: Ambry Variant Classification Scheme 2023. Collection method: clinical testing. Allele origin: germline.

PreventionGenetics, part of Exact Sciences
Classification: Uncertain significance for TRPC5-related condition. Last evaluated: 2024-07-01. Review status: no assertion criteria provided. Collection method: clinical testing. Allele origin: germline. Not counted in ClinVar's aggregate classification.
Comment: The TRPC5 c.2081G>A variant is predicted to result in the amino acid substitution p.Arg694His. To our knowledge, this variant has not been reported in the literature. This variant is reported in 0.0080% of alleles in individuals of African descent in gnomAD. At this time, the clinical significance of this variant is uncertain due to the absence of conclusive functional and genetic evidence.